The following is an entry in ClinVar:

NM_012471.3(TRPC5):c.2734G>A (p.Ala912Thr)

Gene: TRPC5 (transient receptor potential cation channel subfamily C member 5; minus strand). Cytogenetic location: Xq23.
Variant type: single nucleotide variant.
Coding change: c.2734G>A on transcript NM_012471.3 (MANE Select); coding-DNA position 2734, G replaced by A.
Protein change: p.Ala912Thr; replaces alanine 912 with threonine.
Molecular consequence: missense variant.
Genome position (GRCh38, 1-based): chrX:111,776,501, C>T on the plus strand (G>A on the coding strand, the complement: TRPC5 is on the minus strand). VCF-style: chrX-111776501-C-T. GRCh37 (hg19) VCF-style: chrX-111019729-C-T.
Other names: short protein forms A912T.
Identifiers: ClinVar variation 3029426 (VCV003029426.2), dbSNP rs1401800718, ClinGen allele CA414295081.

ClinVar aggregate classification (germline): Uncertain significance (0 of 4 stars; one submission).

Conditions:
TRPC5-related disorder. Also called: TRPC5-related condition.

gnomAD v4.1: 7 of 1,208,632 alleles (0.00058%); highest among the groups gnomAD compares: South Asian, 0.0035%; no homozygotes.

Submission:

PreventionGenetics, part of Exact Sciences
Classification: Uncertain significance for TRPC5-related condition. Last evaluated: 2024-01-18. Review status: no assertion criteria provided. Collection method: clinical testing. Allele origin: germline.
Comment: The TRPC5 c.2734G>A variant is predicted to result in the amino acid substitution p.Ala912Thr. To our knowledge, this variant has not been reported in the literature. This variant is reported in 0.0012% of alleles in individuals of European (Non-Finnish) descent in gnomAD. At this time, the clinical significance of this variant is uncertain due to the absence of conclusive functional and genetic evidence.